The following is an entry in ClinVar:

ClinVar aggregate classification (germline): Uncertain significance (1 of 4 stars; one submission).

Conditions:
Intellectual developmental disorder, autosomal dominant 6, with or without seizures. Also called: Intellectual disability, autosomal dominant 6; GRIN2B-related developmental delay, intellectual disability and autism spectrum disorder. Identifiers: Orphanet 589547, MedGen C3151411, MONDO:0013509, OMIM 613970.
Developmental and epileptic encephalopathy, 27 (DEE27). Also called: Epileptic encephalopathy, early infantile, 27; GRIN2B-Related Neurodevelopmental Disorder. Identifiers: Orphanet 3451, MedGen C4015316, MONDO:0014505, OMIM 616139.

Allele frequency attached by ClinVar (database versions not stated): gnomAD exomes below 0.00001.

Submission:

Labcorp Genetics (formerly Invitae), Labcorp
Classification: Uncertain significance for Developmental and epileptic encephalopathy, 27; Intellectual developmental disorder, autosomal dominant 6, with or without seizures. Last evaluated: 2025-12-21. Review status: criteria provided, single submitter. Criteria: Invitae Variant Classification Sherloc (09022015). Collection method: clinical testing. Allele origin: germline.
Comment: This sequence change replaces methionine, which is neutral and non-polar, with arginine, which is basic and polar, at codon 1339 of the GRIN2B protein (p.Met1339Arg). This variant is not present in population databases (gnomAD no frequency). This variant has not been reported in the literature in individuals affected with GRIN2B-related conditions. ClinVar contains an entry for this variant (Variation ID: 1502843). Invitae Evidence Modeling of protein sequence and biophysical properties (such as structural, functional, and spatial information, amino acid conservation, physicochemical variation, residue mobility, and thermodynamic stability) indicates that this missense variant is not expected to disrupt GRIN2B protein function with a negative predictive value of 95%. In summary, the available evidence is currently insufficient to determine the role of this variant in disease. Therefore, it has been classified as a Variant of Uncertain Significance.

NM_000834.5(GRIN2B):c.4016T>G (p.Met1339Arg)

Gene: GRIN2B (glutamate ionotropic receptor NMDA type subunit 2B; minus strand). Cytogenetic location: 12p13.1.
Variant type: single nucleotide variant.
Coding change: c.4016T>G on transcript NM_000834.5 (MANE Select); coding-DNA position 4016, T replaced by G.
Protein change: p.Met1339Arg; replaces methionine 1339 with arginine.
Molecular consequence: missense variant.
Genome position (GRCh38, 1-based): chr12:13,563,222, A>C on the plus strand (T>G on the coding strand, the complement: GRIN2B is on the minus strand). VCF-style: chr12-13563222-A-C. GRCh37 (hg19) VCF-style: chr12-13716156-A-C.
Other names: short protein forms M1339R.
Identifiers: ClinVar variation 1502843 (VCV001502843.8), dbSNP rs2136403185, ClinGen allele CA383986908.
Genomic context (GRCh38, chr12:13,563,222, plus strand): 5'-GCAGTGGGCACTGAGGACTTGTTGTTGGCAAAGGTGCTCTCGCCAGCTGACATCTCAAAC[A>C]TGTGGGCGTAGGGGCTCCCATCCATGAATCGGCCCTTGTCTTTCAGGCTTACGCTGCGCG-3'
Protein context (NP_000825.2, residues 1329-1349): RFMDGSPYAH[Met1339Arg]FEMSAGESTF